The following is an entry in ClinVar:

NM_016169.4(SUFU):c.644A>T (p.Asn215Ile)

Gene: SUFU (SUFU negative regulator of hedgehog signaling; plus strand). Cytogenetic location: 10q24.32.
Variant type: single nucleotide variant.
Coding change: c.644A>T on transcript NM_016169.4 (MANE Select); coding-DNA position 644, A replaced by T.
Protein change: p.Asn215Ile; replaces asparagine 215 with isoleucine.
Molecular consequence: missense variant.
Genome position (GRCh38, 1-based): chr10:102,593,682, A>T. VCF-style: chr10-102593682-A-T. GRCh37 (hg19) VCF-style: chr10-104353439-A-T.
Other names: c.644A>T, p.Asn215Ile (NM_001178133.2); short protein forms N215I.
Identifiers: ClinVar variation 5030363 (VCV005030363.1).
Genomic context (GRCh38, chr10:102,593,682, plus strand): 5'-ATCCTGGGCCTCAGATCGTTGGTGTCTGCACTGAAGAGCTACACTCAGCCCAGCAGTGGA[A>T]CGGGCAGGGCATCCTGGAGCTGCTGCGGACAGTGCCTATGTGAGTACCCATGCAAGGTGG-3'
Protein context (NP_057253.2, residues 205-225): TEELHSAQQW[Asn215Ile]GQGILELLRT

ClinVar aggregate classification (germline): Uncertain significance (1 of 4 stars; one submission).

Conditions:
Hereditary cancer-predisposing syndrome. Also called: Neoplastic Syndromes, Hereditary; Tumor predisposition; Hereditary neoplastic syndrome; Hereditary Cancer Syndrome. Identifiers: Orphanet 140162, MedGen C0027672, MeSH D009386, MONDO:0015356.

Submission:

Ambry Genetics
Classification: Uncertain significance for Hereditary cancer-predisposing syndrome. Last evaluated: 2026-07-06. Review status: criteria provided, single submitter. Criteria: Ambry Variant Classification Scheme 2023. Collection method: clinical testing. Allele origin: germline.
Comment: The p.N215I variant (also known as c.644A>T), located in coding exon 5 of the SUFU gene, results from an A to T substitution at nucleotide position 644. The asparagine at codon 215 is replaced by isoleucine, an amino acid with dissimilar properties. This amino acid position is conserved. In addition, this alteration is predicted to be deleterious by in silico analysis. Based on the available evidence, the clinical significance of this variant remains unclear.